The following is an entry in ClinVar:

NM_002838.5(PTPRC):c.2044C>G (p.Arg682Gly)

Gene: PTPRC (protein tyrosine phosphatase receptor type C; plus strand). Cytogenetic location: 1q32.1.
Variant type: single nucleotide variant.
Coding change: c.2044C>G on transcript NM_002838.5 (MANE Select); coding-DNA position 2044, C replaced by G.
Protein change: p.Arg682Gly; replaces arginine 682 with glycine.
Molecular consequence: missense variant.
Genome position (GRCh38, 1-based): chr1:198,732,369, C>G. VCF-style: chr1-198732369-C-G. GRCh37 (hg19) VCF-style: chr1-198701498-C-G.
Other names: c.1561C>G, p.Arg521Gly (NM_080921.4); short protein forms R682G, R521G.
Identifiers: ClinVar variation 533062 (VCV000533062.2), dbSNP rs1553243145, ClinGen allele CA344045513.

ClinVar aggregate classification (germline): Uncertain significance (1 of 4 stars; one submission).

Conditions:
Immunodeficiency 104. Also called: Severe combined immunodeficiency, autosomal recessive, T cell-negative, B cell-positive, NK cell-positive; SCID, AUTOSOMAL RECESSIVE, T CELL-NEGATIVE, B CELL-POSITIVE, NK CELL-POSITIVE; Severe Combined Immune Deficiency, Autosomal Recessive, TCell -Negative, B Cell-Positive, NK Cell-Positive, IL7R-Related; IMMUNODEFICIENCY 104, SEVERE COMBINED. Identifiers: MedGen C5676890, MONDO:0012163, OMIM 608971.

Submission:

Labcorp Genetics (formerly Invitae), Labcorp
Classification: Uncertain significance for Severe combined immunodeficiency, autosomal recessive, T cell-negative, B cell-positive, NK cell-positive. Last evaluated: 2018-10-31. Review status: criteria provided, single submitter. Criteria: Invitae Variant Classification Sherloc (09022015). Collection method: clinical testing. Allele origin: germline.
Comment: This sequence change replaces arginine with glycine at codon 682 of the PTPRC protein (p.Arg682Gly). The arginine residue is highly conserved and there is a moderate physicochemical difference between arginine and glycine. This variant is not present in population databases (ExAC no frequency). This variant has not been reported in the literature in individuals with PTPRC-related disease. Algorithms developed to predict the effect of missense changes on protein structure and function do not agree on the potential impact of this missense change (SIFT: "Deleterious"; PolyPhen-2: "Probably Damaging"; Align-GVGD: "Class C0"). In summary, the available evidence is currently insufficient to determine the role of this variant in disease. Therefore, it has been classified as a Variant of Uncertain Significance.